The following is an entry in ClinVar:

NM_052947.4(ALPK2):c.2569G>A (p.Asp857Asn)

Gene: ALPK2 (alpha kinase 2; minus strand). Cytogenetic location: 18q21.31.
Variant type: single nucleotide variant.
Coding change: c.2569G>A on transcript NM_052947.4 (MANE Select); coding-DNA position 2569, G replaced by A.
Protein change: p.Asp857Asn; replaces aspartic acid 857 with asparagine.
Molecular consequence: missense variant.
Genome position (GRCh38, 1-based): chr18:58,537,618, C>T on the plus strand (G>A on the coding strand, the complement: ALPK2 is on the minus strand). VCF-style: chr18-58537618-C-T. GRCh37 (hg19) VCF-style: chr18-56204850-C-T.
Other names: short protein forms D857N.
Identifiers: ClinVar variation 1793197 (VCV001793197.3), dbSNP rs946162579, ClinGen allele CA300927574.

ClinVar aggregate classification (germline): Uncertain significance (1 of 4 stars; one submission).

Allele frequency attached by ClinVar (database versions not stated): gnomAD 0.00001; gnomAD exomes 0.00001; TOPMed 0.00002.
gnomAD v4.1: 7 of 1,613,426 alleles (0.00043%); highest among the groups gnomAD compares: African/African-American, 0.0053%; no homozygotes.

Submission:

Ambry Genetics
Classification: Uncertain significance. Last evaluated: 2024-06-26. Review status: criteria provided, single submitter. Criteria: Ambry Variant Classification Scheme 2023. Collection method: clinical testing. Allele origin: germline.
Comment: The p.D857N variant (also known as c.2569G>A), located in coding exon 4 of the ALPK2 gene, results from a G to A substitution at nucleotide position 2569. The aspartic acid at codon 857 is replaced by asparagine, an amino acid with highly similar properties. This amino acid position is conserved. In addition, this alteration is predicted to be tolerated by in silico analysis. Since supporting evidence is limited at this time, the clinical significance of this alteration remains unclear.